The following is an entry in ClinVar:

NM_001352754.2(ARMC9):c.298C>G (p.Leu100Val)

Gene: ARMC9 (armadillo repeat containing 9; plus strand). Cytogenetic location: 2q37.1.
Variant type: single nucleotide variant.
Coding change: c.298C>G on transcript NM_001352754.2 (MANE Select); coding-DNA position 298, C replaced by G.
Protein change: p.Leu100Val; replaces leucine 100 with valine.
Molecular consequence: missense variant. On other transcripts: non-coding transcript variant (1).
Genome position (GRCh38, 1-based): chr2:231,214,951, C>G. VCF-style: chr2-231214951-C-G. GRCh37 (hg19) VCF-style: chr2-232079664-C-G.
Other names: c.298C>G, p.Leu100Val (NM_001271466.4, NM_001291656.2, NM_001352755.2 and 5 more transcripts); short protein forms L100V.
Identifiers: ClinVar variation 1525815 (VCV001525815.6), dbSNP rs2125321345, ClinGen allele CA350946093.
Genomic context (GRCh38, chr2:231,214,951, plus strand): 5'-GAGCACATTTCAAGTTCCATCCGAGATGGGGACTCCTTTGCCCAGAAGCTGGAATTCTAT[C>G]TCCACATCCATTTTGCCATCTATCTTTTGAAGTACTCTGTGGGGAGACCGGTGGGTTTAC-3'
Protein context (NP_001339683.2, residues 90-110): DSFAQKLEFY[Leu100Val]HIHFAIYLLK

ClinVar aggregate classification (germline): Uncertain significance (1 of 4 stars; one submission).

Submission:

Labcorp Genetics (formerly Invitae), Labcorp
Classification: Uncertain significance. Last evaluated: 2021-10-15. Review status: criteria provided, single submitter. Criteria: Invitae Variant Classification Sherloc (09022015). Collection method: clinical testing. Allele origin: germline.
Comment: Experimental studies and prediction algorithms are not available or were not evaluated, and the functional significance of this variant is currently unknown. In summary, the available evidence is currently insufficient to determine the role of this variant in disease. Therefore, it has been classified as a Variant of Uncertain Significance. This variant has not been reported in the literature in individuals affected with ARMC9-related conditions. This sequence change replaces leucine with valine at codon 100 of the ARMC9 protein (p.Leu100Val). The leucine residue is moderately conserved and there is a small physicochemical difference between leucine and valine. This variant is not present in population databases (ExAC no frequency).